The following is an entry in ClinVar:

NM_198334.3(GANAB):c.2099C>G (p.Ala700Gly)

Gene: GANAB (glucosidase II alpha subunit; minus strand). Cytogenetic location: 11q12.3.
Variant type: single nucleotide variant.
Coding change: c.2099C>G on transcript NM_198334.3 (MANE Select); coding-DNA position 2099, C replaced by G.
Protein change: p.Ala700Gly; replaces alanine 700 with glycine.
Molecular consequence: missense variant.
Genome position (GRCh38, 1-based): chr11:62,628,850, G>C on the plus strand (C>G on the coding strand, the complement: GANAB is on the minus strand). VCF-style: chr11-62628850-G-C. GRCh37 (hg19) VCF-style: chr11-62396322-G-C.
Other names: c.1823C>G, p.Ala608Gly (NM_001278192.2); c.1757C>G, p.Ala586Gly (NM_001278193.2); c.1808C>G, p.Ala603Gly (NM_001278194.2, NM_001329222.2, NM_001329223.2); c.1376C>G, p.Ala459Gly (NM_001329224.2, NM_001329225.2); c.2165C>G, p.Ala722Gly (NM_198335.4); short protein forms A459G, A608G, A700G, A722G, A586G, A603G.
Identifiers: ClinVar variation 2784542 (VCV002784542.3), dbSNP rs2496316655, ClinGen allele CA380990694.
Genomic context (GRCh38, chr11:62,628,850, plus strand): 5'-CGATGGGCCTGATATAAGAGGGTGTACCAGAAGGGCAGCAAAGAATATCGCTGGCCCAAG[G>C]CATCTCGGATTATATCATTGTGCTGAGATGGTAACAGCCATGGCTCTCGTCGCCCAGTGT-3'
Protein context (NP_938148.1, residues 690-710): PSQHNDIIRD[Ala700Gly]LGQRYSLLPF

ClinVar aggregate classification (germline): Uncertain significance (1 of 4 stars; one submission).

Submission:

Labcorp Genetics (formerly Invitae), Labcorp
Classification: Uncertain significance. Last evaluated: 2023-06-15. Review status: criteria provided, single submitter. Criteria: Invitae Variant Classification Sherloc (09022015). Collection method: clinical testing. Allele origin: germline.
Comment: This sequence change replaces alanine, which is neutral and non-polar, with glycine, which is neutral and non-polar, at codon 722 of the GANAB protein (p.Ala722Gly). This variant is not present in population databases (gnomAD no frequency). This variant has not been reported in the literature in individuals affected with GANAB-related conditions. Advanced modeling of protein sequence and biophysical properties (such as structural, functional, and spatial information, amino acid conservation, physicochemical variation, residue mobility, and thermodynamic stability) performed at Invitae indicates that this missense variant is expected to disrupt GANAB protein function. In summary, the available evidence is currently insufficient to determine the role of this variant in disease. Therefore, it has been classified as a Variant of Uncertain Significance.